The following is an entry in ClinVar:

NM_005359.6(SMAD4):c.1591C>T (p.Arg531Trp)

Gene: SMAD4 (SMAD family member 4; plus strand). Cytogenetic location: 18q21.2.
Variant type: single nucleotide variant.
Coding change: c.1591C>T on transcript NM_005359.6 (MANE Select); coding-DNA position 1591, C replaced by T.
Protein change: p.Arg531Trp; replaces arginine 531 with tryptophan.
Molecular consequence: missense variant.
Genome position (GRCh38, 1-based): chr18:51,078,399, C>T. VCF-style: chr18-51078399-C-T. GRCh37 (hg19) VCF-style: chr18-48604769-C-T.
Other names: short protein forms R531W.
Identifiers: ClinVar variation 568457 (VCV000568457.14), dbSNP rs766833269, ClinGen allele CA8966106.

ClinVar aggregate classification (germline): Uncertain significance. Review status: criteria provided, multiple submitters, no conflicts (2 of 4 stars). 5 submissions from 5 submitters: Uncertain significance (5). Last evaluated 2026-08-12.

Conditions:
Hereditary cancer-predisposing syndrome. Also called: Hereditary Cancer Syndrome; Tumor predisposition; Hereditary neoplastic syndrome; Neoplastic Syndromes, Hereditary. Identifiers: Orphanet 140162, MedGen C0027672, MeSH D009386, MONDO:0015356.
Familial thoracic aortic aneurysm and aortic dissection (TAAD). Also called: Thoracic aortic aneurysms and dissections. Identifiers: Orphanet 91387, MedGen C4707243, MONDO:0019625.
Juvenile polyposis syndrome (JPS). Identifiers: Orphanet 2929, MedGen C0345893, MONDO:0017380, OMIM 174900.

Allele frequency attached by ClinVar (database versions not stated): gnomAD exomes below 0.00001; ExAC 0.00001.
gnomAD v4.1: 1 of 1,614,160 alleles (0.000062%); highest among the groups gnomAD compares: Non-Finnish European, 0.000085%; no homozygotes.

Submissions (5):

Ambry Genetics
Classification: Uncertain significance for Hereditary cancer-predisposing syndrome; Familial thoracic aortic aneurysm and aortic dissection. Last evaluated: 2026-08-12. Review status: criteria provided, single submitter. Criteria: Ambry Variant Classification Scheme 2023. Collection method: clinical testing. Allele origin: germline.
Comment: The p.R531W variant (also known as c.1591C>T), located in coding exon 11 of the SMAD4 gene, results from a C to T substitution at nucleotide position 1591. The arginine at codon 531 is replaced by tryptophan, an amino acid with dissimilar properties. This amino acid position is highly conserved in available vertebrate species. In addition, this alteration is predicted to be deleterious by in silico analysis. Based on the available evidence, the clinical significance of this variant remains unclear.

Color Diagnostics, LLC DBA Color Health
Classification: Uncertain significance for Hereditary cancer-predisposing syndrome. Last evaluated: 2025-07-09. Review status: criteria provided, single submitter. Criteria: ACMG Guidelines, 2015. Collection method: clinical testing. Allele origin: germline.
Comment: This missense variant replaces arginine with tryptophan at codon 531 of the SMAD4 protein. Computational prediction suggests that this variant may have deleterious impact on protein structure and function. To our knowledge, functional studies have not been reported for this variant. This variant has not been reported in individuals affected with SMAD4-related disorders in the literature. This variant has not been identified in the general population by the Genome Aggregation Database (gnomAD). The available evidence is insufficient to determine the role of this variant in disease conclusively. Therefore, this variant is classified as a Variant of Uncertain Significance.

Blueprint Genetics
Classification: Uncertain significance. Last evaluated: 2023-01-31. Review status: criteria provided, single submitter. Criteria: ACMG Guidelines, 2015. Collection method: clinical testing. Allele origin: germline.

Labcorp Genetics (formerly Invitae), Labcorp
Classification: Uncertain significance for Juvenile polyposis syndrome. Last evaluated: 2022-11-08. Review status: criteria provided, single submitter. Criteria: Invitae Variant Classification Sherloc (09022015). Collection method: clinical testing. Allele origin: germline.
Comment: In summary, the available evidence is currently insufficient to determine the role of this variant in disease. Therefore, it has been classified as a Variant of Uncertain Significance. Advanced modeling of protein sequence and biophysical properties (such as structural, functional, and spatial information, amino acid conservation, physicochemical variation, residue mobility, and thermodynamic stability) has been performed at Invitae for this missense variant, however the output from this modeling did not meet the statistical confidence thresholds required to predict the impact of this variant on SMAD4 protein function. ClinVar contains an entry for this variant (Variation ID: 568457). This variant has not been reported in the literature in individuals affected with SMAD4-related conditions. This variant is not present in population databases (gnomAD no frequency). This sequence change replaces arginine, which is basic and polar, with tryptophan, which is neutral and slightly polar, at codon 531 of the SMAD4 protein (p.Arg531Trp).

Women's Health and Genetics/Laboratory Corporation of America, LabCorp
Classification: Uncertain significance. Last evaluated: 2020-01-14. Review status: criteria provided, single submitter. Criteria: LabCorp Variant Classification Summary - May 2015. Collection method: clinical testing. Allele origin: germline.
Comment: Variant summary: SMAD4 c.1591C>T (p.Arg531Trp) results in a non-conservative amino acid change located in the SMAD Domain, Dwarfin-type (IPR00132) of the encoded protein sequence. Four of five in-silico tools predict a damaging effect of the variant on protein function. The variant was absent in 251436 control chromosomes. The available data on variant occurrences in the general population are insufficient to allow any conclusion about variant significance. To our knowledge, no occurrence of c.1591C>T in individuals affected with Juvenile Polyposis Syndrome, Hereditary hemorrhagic telangiectasia, or Myhre syndrome in a germline/inherited context and no experimental evidence demonstrating its impact on protein function have been reported. The variant has however been observed in various sequencing studies of tumor samples obtained from the large intestine and pancreas as reported in somatic databases such as COSMIC. One clinical diagnostic laboratory has submitted clinical-significance assessments for this variant to ClinVar after 2014 without evidence for independent evaluation and classified the variant as uncertain significance. Based on the evidence outlined above, the variant was classified as uncertain significance.